The following is an entry in ClinVar:

NM_000384.3(APOB):c.6205A>G (p.Ile2069Val)

Gene: APOB (apolipoprotein B; minus strand). Cytogenetic location: 2p24.1.
Variant type: single nucleotide variant.
Coding change: c.6205A>G on transcript NM_000384.3 (MANE Select); coding-DNA position 6205, A replaced by G.
Protein change: p.Ile2069Val; replaces isoleucine 2069 with valine.
Molecular consequence: missense variant.
Genome position (GRCh38, 1-based): chr2:21,010,663, T>C on the plus strand (A>G on the coding strand, the complement: APOB is on the minus strand). VCF-style: chr2-21010663-T-C. GRCh37 (hg19) VCF-style: chr2-21233535-T-C.
Other names: short protein forms I2069V.
Identifiers: ClinVar variation 3932266 (VCV003932266.1).

ClinVar aggregate classification (germline): Uncertain significance (1 of 4 stars; one submission).

Conditions:
Cardiovascular phenotype. Identifiers: MedGen CN230736.

gnomAD v4.1: 2 of 1,614,122 alleles (0.00012%); highest among the groups gnomAD compares: Non-Finnish European, 0.00017%; no homozygotes.

Submission:

Ambry Genetics
Classification: Uncertain significance for Cardiovascular phenotype. Last evaluated: 2025-06-10. Review status: criteria provided, single submitter. Criteria: Ambry Variant Classification Scheme 2023. Collection method: clinical testing. Allele origin: germline.
Comment: The p.I2069V variant (also known as c.6205A>G), located in coding exon 26 of the APOB gene, results from an A to G substitution at nucleotide position 6205. The isoleucine at codon 2069 is replaced by valine, an amino acid with highly similar properties. This amino acid position is conserved. In addition, this alteration is predicted to be tolerated by in silico analysis. Based on the available evidence, the clinical significance of this variant remains unclear.